The following is an entry in ClinVar:

ClinVar aggregate classification (germline): Conflicting classifications of pathogenicity. Review status: criteria provided, conflicting classifications (1 of 4 stars). 7 submissions from 7 submitters: Uncertain significance (5); Likely benign (2). Last evaluated 2026-01-26.

Conditions:
Peripheral neuropathy. Also called: Neuropathy. Identifiers: MedGen C0031117, MONDO:0005244, HP:0009830.
Early-infantile DEE. Also called: Ohtahara syndrome; Early infantile epileptic encephalopathy; Early infantile epileptic encephalopathy with suppression bursts. Identifiers: Orphanet 1934, MedGen C0393706, MONDO:0800491.
Developmental and epileptic encephalopathy, 5 (DEE5). Identifiers: Orphanet 3451, MedGen C3150731, MONDO:0013277, OMIM 613477.

Allele frequency attached by ClinVar (database versions not stated): gnomAD exomes 0.00006 and 0.00004; TOPMed 0.00007; gnomAD 0.00009; ExAC 0.00004.
gnomAD v4.1: 75 of 1,614,024 alleles (0.0046%); highest among the groups gnomAD compares: Admixed American, 0.028%; no homozygotes.

Submissions (7):

Labcorp Genetics (formerly Invitae), Labcorp
Classification: Uncertain significance for Early-infantile DEE. Last evaluated: 2026-01-26. Review status: criteria provided, single submitter. Criteria: Invitae Variant Classification Sherloc (09022015). Collection method: clinical testing. Allele origin: germline.
Comment: This sequence change replaces aspartic acid, which is acidic and polar, with asparagine, which is neutral and polar, at codon 1347 of the SPTAN1 protein (p.Asp1347Asn). This variant is present in population databases (rs574740801, gnomAD 0.02%). This variant has not been reported in the literature in individuals affected with SPTAN1-related conditions. ClinVar contains an entry for this variant (Variation ID: 207286). Invitae Evidence Modeling of protein sequence and biophysical properties (such as structural, functional, and spatial information, amino acid conservation, physicochemical variation, residue mobility, and thermodynamic stability) has been performed for this missense variant. However, the output from this modeling did not meet the statistical confidence thresholds required to predict the impact of this variant on SPTAN1 protein function. In summary, the available evidence is currently insufficient to determine the role of this variant in disease. Therefore, it has been classified as a Variant of Uncertain Significance.

Mayo Clinic Laboratories, Mayo Clinic
Classification: Uncertain significance. Last evaluated: 2025-10-12. Review status: criteria provided, single submitter. Criteria: ACMG Guidelines, 2015. Collection method: clinical testing. Allele origin: germline. Observed: 1 variant allele.
Comment: BS2

CeGaT Center for Human Genetics Tuebingen
Classification: Uncertain significance. Last evaluated: 2021-11-01. Review status: criteria provided, single submitter. Criteria: CeGaT Center For Human Genetics Tuebingen Variant Classification Criteria Version 2. Collection method: clinical testing. Allele origin: germline. Affected: yes. Observed: 1 variant allele.

Genome-Nilou Lab
Classification: Likely benign for Developmental and epileptic encephalopathy, 5. Last evaluated: 2021-07-15. Review status: criteria provided, single submitter. Criteria: ACMG Guidelines, 2015. Collection method: clinical testing. Allele origin: germline. Affected: no.

Revvity Omics, Revvity
Classification: Uncertain significance. Last evaluated: 2021-04-26. Review status: criteria provided, single submitter. Criteria: ACMG Guidelines, 2015. Collection method: clinical testing. Allele origin: germline.

GeneDx
Classification: Likely benign. Last evaluated: 2020-12-31. Review status: criteria provided, single submitter. Criteria: GeneDx Variant Classification Process June 2021. Collection method: clinical testing. Allele origin: germline. Affected: yes.

Claritas Genomics
Classification: Uncertain significance for Peripheral neuropathy. Last evaluated: 2016-08-22. Review status: criteria provided, single submitter. Criteria: ACMG Guidelines, 2015. Collection method: clinical testing. Allele origin: germline. Affected: yes.

NM_001130438.3(SPTAN1):c.4039G>A (p.Asp1347Asn)

Gene: SPTAN1 (spectrin alpha, non-erythrocytic 1; plus strand). Cytogenetic location: 9q34.11.
Variant type: single nucleotide variant.
Coding change: c.4039G>A on transcript NM_001130438.3 (MANE Select); coding-DNA position 4039, G replaced by A.
Protein change: p.Asp1347Asn; replaces aspartic acid 1347 with asparagine.
Molecular consequence: missense variant.
Genome position (GRCh38, 1-based): chr9:128,605,470, G>A. VCF-style: chr9-128605470-G-A. GRCh37 (hg19) VCF-style: chr9-131367749-G-A.
Other names: p.D1347N:GAT>AAT; p.Asp1347Asn; c.3979G>A, p.Asp1327Asn (NM_001195532.2, NM_001363765.2); c.4039G>A, p.Asp1347Asn (NM_001363759.2, NM_003127.4); short protein forms D1347N, D1327N.
Identifiers: ClinVar variation 207286 (VCV000207286.48), dbSNP rs574740801, ClinGen allele CA318609.